The following is an entry in ClinVar:

ClinVar aggregate classification (germline): Benign. Review status: criteria provided, multiple submitters, no conflicts (2 of 4 stars). 9 submissions from 4 submitters: Benign (9). Last evaluated 2021-07-14.

Conditions:
Neonatal severe primary hyperparathyroidism. Identifiers: Orphanet 417, MedGen C1832615, MONDO:0009397, OMIM 239200.
Familial hypoparathyroidism. Also called: Familial isolated hypoparathyroidism. Identifiers: Orphanet 2238, MedGen C1832648, MONDO:0016390.
Autosomal dominant hypocalcemia 1 (HYPOC1). Also called: HYPOCALCEMIA, FAMILIAL. Identifiers: MedGen C3715128, MONDO:0011013, OMIM 601198.
Familial hypocalciuric hypercalcemia 1. Also called: Hypercalcemia, familial benign type 1. Identifiers: Orphanet 405, Orphanet 93372, MedGen C0342637, MONDO:0007791, OMIM 145980.

Allele frequency attached by ClinVar (database versions not stated): TOPMed 0.91870; 1000 Genomes Project 0.92013; 1000 Genomes Project 30x 0.92067.
gnomAD v4.1: 1,452,507 of 1,525,828 alleles (95%); highest among the groups gnomAD compares: East Asian, 98%; 692,276 homozygotes.

Submissions (9):

Genome-Nilou Lab
Classification: Benign for Neonatal severe primary hyperparathyroidism. Last evaluated: 2021-07-14. Review status: criteria provided, single submitter. Criteria: ACMG Guidelines, 2015. Collection method: clinical testing. Allele origin: germline. Affected: no.

Genome-Nilou Lab
Classification: Benign for Autosomal dominant hypocalcemia 1. Last evaluated: 2021-07-14. Review status: criteria provided, single submitter. Criteria: ACMG Guidelines, 2015. Collection method: clinical testing. Allele origin: germline. Affected: no.

Genome-Nilou Lab
Classification: Benign for Familial hypocalciuric hypercalcemia 1. Last evaluated: 2021-07-14. Review status: criteria provided, single submitter. Criteria: ACMG Guidelines, 2015. Collection method: clinical testing. Allele origin: germline. Affected: no.

Illumina Laboratory Services, Illumina
Classification: Benign for Familial isolated hypoparathyroidism. Last evaluated: 2018-01-13. Review status: criteria provided, single submitter. Criteria: ICSL Variant Classification Criteria 13 December 2019. Collection method: clinical testing. Allele origin: germline.
Comment: This variant was observed in the ICSL laboratory as part of a predisposition screen in an ostensibly healthy population. It had not been previously curated by ICSL or reported in the Human Gene Mutation Database (HGMD: prior to June 1st, 2018), and was therefore a candidate for classification through an automated scoring system. Utilizing variant allele frequency, disease prevalence and penetrance estimates, and inheritance mode, an automated score was calculated to assess if this variant is too frequent to cause the disease. Based on the score and internal cut-off values, a variant classified as benign is not then subjected to further curation. The score for this variant resulted in a classification of benign for this disease.

Illumina Laboratory Services, Illumina
Classification: Benign for Neonatal severe primary hyperparathyroidism. Last evaluated: 2018-01-13. Review status: criteria provided, single submitter. Criteria: ICSL Variant Classification Criteria 13 December 2019. Collection method: clinical testing. Allele origin: germline.
Comment: the same text as in the submission from Illumina Laboratory Services, Illumina above.

Illumina Laboratory Services, Illumina
Classification: Benign for Autosomal dominant hypocalcemia 1. Last evaluated: 2018-01-13. Review status: criteria provided, single submitter. Criteria: ICSL Variant Classification Criteria 13 December 2019. Collection method: clinical testing. Allele origin: germline.
Comment: the same text as in the submission from Illumina Laboratory Services, Illumina above.

Illumina Laboratory Services, Illumina
Classification: Benign for Familial hypocalciuric hypercalcemia 1. Last evaluated: 2018-01-13. Review status: criteria provided, single submitter. Criteria: ICSL Variant Classification Criteria 13 December 2019. Collection method: clinical testing. Allele origin: germline.
Comment: the same text as in the submission from Illumina Laboratory Services, Illumina above.

GeneDx
Classification: Benign. Last evaluated: 2015-03-03. Review status: criteria provided, single submitter. Criteria: GeneDx Variant Classification Process June 2021. Collection method: clinical testing. Allele origin: germline. Affected: yes.

Breakthrough Genomics
Classification: Benign. Review status: criteria provided, single submitter. Criteria: ACMG Guidelines, 2015. Collection method: not provided. Allele origin: germline. Inheritance: Autosomal recessive inheritance. Affected: yes.

NM_000388.4(CASR):c.*60A>T

Gene: CASR (calcium sensing receptor; plus strand). Cytogenetic location: 3q21.1.
Variant type: single nucleotide variant.
Coding change: c.*60A>T on transcript NM_000388.4 (MANE Select); 60 bases downstream of the stop codon, A replaced by T.
Molecular consequence: 3 prime UTR variant.
Genome position (GRCh38, 1-based): chr3:122,285,251, A>T. VCF-style: chr3-122285251-A-T. GRCh37 (hg19) VCF-style: chr3-122004098-A-T.
Other names: c.*60A>T (NM_001178065.2).
Identifiers: ClinVar variation 342806 (VCV000342806.11), dbSNP rs4677948, ClinGen allele CA10614609.
Genomic context (GRCh38, chr3:122,285,251, plus strand): 5'-AAATGGAAGGAGAAGACTGGGCTAGGGAGAATGCAGAGAGGTTTCTTGGGGTCCCAGGGA[A>T]GAGGAATCGCCCCAGACTCCTTTCCTCTGAGGAAGAAGGGATAATAGACACATCAAATGC-3'